The following is an entry in ClinVar:

ClinVar aggregate classification (germline): Conflicting classifications of pathogenicity. Review status: criteria provided, conflicting classifications (1 of 4 stars). 5 submissions from 5 submitters: Uncertain significance (1); Likely benign (2). 2 of the submissions do not count toward it. Last evaluated 2025-06-06.

Conditions:
F11-related disorder. Also called: F11-related condition.
Hereditary factor XI deficiency disease. Also called: PLASMA THROMBOPLASTIN ANTECEDENT DEFICIENCY; PTA DEFICIENCY; ROSENTHAL SYNDROME; Congenital factor XI deficiency. Identifiers: Orphanet 329, MedGen C0015523, MeSH D005173, MONDO:0012897, OMIM 612416.
Plasma factor XI deficiency.

Allele frequency attached by ClinVar (database versions not stated): gnomAD exomes 0.00005 and 0.00008; gnomAD 0.00006 and 0.00007; ExAC 0.00007; TOPMed 0.00009; ESP Exome Variant Server 0.00023.
gnomAD v4.1: 83 of 1,614,074 alleles (0.0051%); highest among the groups gnomAD compares: Admixed American, 0.023%; no homozygotes.

Submissions (5):

Labcorp Genetics (formerly Invitae), Labcorp
Classification: Likely benign. Last evaluated: 2025-06-06. Review status: criteria provided, single submitter. Criteria: Invitae Variant Classification Sherloc (09022015). Collection method: clinical testing. Allele origin: germline.

Blueprint Genetics
Classification: Likely benign. Last evaluated: 2024-11-08. Review status: criteria provided, single submitter. Criteria: ACMG Guidelines, 2015. Collection method: clinical testing. Allele origin: germline.

Illumina Laboratory Services, Illumina
Classification: Uncertain significance for Hereditary factor XI deficiency disease. Last evaluated: 2018-01-13. Review status: criteria provided, single submitter. Criteria: ICSL Variant Classification Criteria 13 December 2019. Collection method: clinical testing. Allele origin: germline.

PreventionGenetics, part of Exact Sciences
Classification: Likely benign for F11-related condition. Last evaluated: 2023-04-27. Review status: no assertion criteria provided. Collection method: clinical testing. Allele origin: germline. Not counted in ClinVar's aggregate classification.
Comment: This variant is classified as likely benign based on ACMG/AMP sequence variant interpretation guidelines (Richards et al. 2015 PMID: 25741868, with internal and published modifications).

Natera, Inc.
Classification: Uncertain significance for Plasma factor XI deficiency. Last evaluated: 2020-04-20. Review status: no assertion criteria provided. Collection method: clinical testing. Allele origin: germline. Not counted in ClinVar's aggregate classification.

NM_000128.4(F11):c.1200G>A (p.Pro400=)

Gene: F11 (coagulation factor XI; plus strand). Cytogenetic location: 4q35.2.
Variant type: single nucleotide variant.
Coding change: c.1200G>A on transcript NM_000128.4 (MANE Select); coding-DNA position 1200, G replaced by A.
Protein change: p.Pro400=; no amino-acid change (proline 400 retained).
Molecular consequence: synonymous variant.
Genome position (GRCh38, 1-based): chr4:186,284,156, G>A. VCF-style: chr4-186284156-G-A. GRCh37 (hg19) VCF-style: chr4-187205310-G-A.
Identifiers: ClinVar variation 348377 (VCV000348377.19), dbSNP rs150377265, ClinGen allele CA3163919.